The following is an entry in ClinVar:

ClinVar aggregate classification (germline): Uncertain significance (1 of 4 stars; one submission).

Conditions:
RYR1-related disorder. Also called: RYR1-related condition; RYR1-related disorders. Identifiers: MedGen CN239331.

Allele frequency attached by ClinVar (database versions not stated): gnomAD exomes below 0.00001; TOPMed below 0.00001; gnomAD 0.00001.
gnomAD v4.1: 3 of 1,613,964 alleles (0.00019%); highest among the groups gnomAD compares: Non-Finnish European, 0.00025%; no homozygotes.

Submission:

Labcorp Genetics (formerly Invitae), Labcorp
Classification: Uncertain significance for RYR1-related disorder. Last evaluated: 2025-10-01. Review status: criteria provided, single submitter. Criteria: Invitae Variant Classification Sherloc (09022015). Collection method: clinical testing. Allele origin: germline.
Comment: This sequence change replaces glutamine, which is neutral and polar, with lysine, which is basic and polar, at codon 1279 of the RYR1 protein (p.Gln1279Lys). This variant is not present in population databases (gnomAD no frequency). This variant has not been reported in the literature in individuals affected with RYR1-related conditions. ClinVar contains an entry for this variant (Variation ID: 1401481). Invitae Evidence Modeling of protein sequence and biophysical properties (such as structural, functional, and spatial information, amino acid conservation, physicochemical variation, residue mobility, and thermodynamic stability) has been performed for this missense variant. However, the output from this modeling did not meet the statistical confidence thresholds required to predict the impact of this variant on RYR1 protein function. In summary, the available evidence is currently insufficient to determine the role of this variant in disease. Therefore, it has been classified as a Variant of Uncertain Significance.

NM_000540.3(RYR1):c.3835C>A (p.Gln1279Lys)

Gene: RYR1 (ryanodine receptor 1; plus strand). Cytogenetic location: 19q13.2.
Variant type: single nucleotide variant.
Coding change: c.3835C>A on transcript NM_000540.3 (MANE Select); coding-DNA position 3835, C replaced by A.
Protein change: p.Gln1279Lys; replaces glutamine 1279 with lysine.
Molecular consequence: missense variant.
Genome position (GRCh38, 1-based): chr19:38,473,446, C>A. VCF-style: chr19-38473446-C-A. GRCh37 (hg19) VCF-style: chr19-38964086-C-A.
Other names: c.3835C>A, p.Gln1279Lys (NM_001042723.2); short protein forms Q1279K.
Identifiers: ClinVar variation 1401481 (VCV001401481.5), dbSNP rs1249689187, ClinGen allele CA405641660.